The following is an entry in ClinVar:

NM_001999.4(FBN2):c.2302+260T>G

Gene: FBN2 (fibrillin 2; minus strand). Cytogenetic location: 5q23.3.
Variant type: single nucleotide variant.
Coding change: c.2302+260T>G on transcript NM_001999.4 (MANE Select); 260 bases into the intron after coding-DNA position 2302, T replaced by G.
Molecular consequence: intron variant.
Genome position (GRCh38, 1-based): chr5:128,366,117, A>C on the plus strand (T>G on the coding strand, the complement: FBN2 is on the minus strand). VCF-style: chr5-128366117-A-C. GRCh37 (hg19) VCF-style: chr5-127701810-A-C.
Identifiers: ClinVar variation 683526 (VCV000683526.1), dbSNP rs1428632, ClinGen allele CA127033024.

ClinVar aggregate classification (germline): Benign (1 of 4 stars; one submission).

Allele frequency attached by ClinVar (database versions not stated): 1000 Genomes Project 30x 0.47033; TOPMed 0.58468; gnomAD 0.59405 and 0.59670.
gnomAD v4.1: 90,457 of 151,710 alleles (60%); highest among the groups gnomAD compares: Middle Eastern, 81%; 29,649 homozygotes.

Submission:

GeneDx
Classification: Benign. Last evaluated: 2018-06-18. Review status: criteria provided, single submitter. Criteria: GeneDx Variant Classification (06012015). Collection method: clinical testing. Allele origin: germline. Affected: yes.
Comment: This variant is considered likely benign or benign based on one or more of the following criteria: it is a conservative change, it occurs at a poorly conserved position in the protein, it is predicted to be benign by multiple in silico algorithms, and/or has population frequency not consistent with disease.